The following is an entry in ClinVar:

NM_001195263.2(PDZD7):c.3078C>T (p.Pro1026=)

Gene: PDZD7 (PDZ domain containing 7; minus strand). Cytogenetic location: 10q24.31.
Variant type: single nucleotide variant.
Coding change: c.3078C>T on transcript NM_001195263.2 (MANE Select); coding-DNA position 3078, C replaced by T.
Protein change: p.Pro1026=; no amino-acid change (proline 1026 retained).
Molecular consequence: synonymous variant.
Genome position (GRCh38, 1-based): chr10:101,008,491, G>A on the plus strand (C>T on the coding strand, the complement: PDZD7 is on the minus strand). VCF-style: chr10-101008491-G-A. GRCh37 (hg19) VCF-style: chr10-102768248-G-A.
Identifiers: ClinVar variation 929883 (VCV000929883.16), dbSNP rs534463809, ClinGen allele CA5653926.

ClinVar aggregate classification (germline): Benign/Likely benign. Review status: criteria provided, multiple submitters, no conflicts (2 of 4 stars). 4 submissions from 4 submitters: Benign (1); Likely benign (3). Last evaluated 2025-12-19.

Allele frequency attached by ClinVar (database versions not stated): gnomAD exomes 0.00011 and 0.00034; gnomAD 0.00015 and 0.00017; ExAC 0.00027; TOPMed 0.00032; 1000 Genomes Project 30x 0.00094; 1000 Genomes Project 0.00120.
gnomAD v4.1: 181 of 1,526,906 alleles (0.012%); highest among the groups gnomAD compares: East Asian, 0.3%; no homozygotes.

Submissions (4):

Labcorp Genetics (formerly Invitae), Labcorp
Classification: Benign. Last evaluated: 2025-12-19. Review status: criteria provided, single submitter. Criteria: Invitae Variant Classification Sherloc (09022015). Collection method: clinical testing. Allele origin: germline.

Blueprint Genetics
Classification: Likely benign. Last evaluated: 2024-10-25. Review status: criteria provided, single submitter. Criteria: ACMG Guidelines, 2015. Collection method: clinical testing. Allele origin: germline.

GeneDx
Classification: Likely benign. Last evaluated: 2021-01-29. Review status: criteria provided, single submitter. Criteria: GeneDx Variant Classification Process June 2021. Collection method: clinical testing. Allele origin: germline. Affected: yes.

Laboratory for Molecular Medicine, Mass General Brigham Personalized Medicine
Classification: Likely benign. Last evaluated: 2017-08-23. Review status: criteria provided, single submitter. Criteria: LMM Criteria. Collection method: clinical testing. Allele origin: germline. Observed: 1 variant allele.
Comment: p.Pro1026Pro in exon 17 of PDZD7: This variant is not expected to have clinical significance because it does not alter an amino acid residue and is not located within the splice consensus sequence. It has been identified in 0.06% (2/3440) of South Asian chromosomes by the Exome Aggregation Consortium (ExAC; dbSNP rs534463809).